The following is an entry in ClinVar:

NM_001430.5(EPAS1):c.1189C>T (p.Pro397Ser)

Gene: EPAS1 (endothelial PAS domain protein 1; plus strand). Cytogenetic location: 2p21.
Variant type: single nucleotide variant.
Coding change: c.1189C>T on transcript NM_001430.5 (MANE Select); coding-DNA position 1189, C replaced by T.
Protein change: p.Pro397Ser; replaces proline 397 with serine.
Molecular consequence: missense variant.
Genome position (GRCh38, 1-based): chr2:46,376,693, C>T. VCF-style: chr2-46376693-C-T. GRCh37 (hg19) VCF-style: chr2-46603832-C-T.
Other names: short protein forms P397S.
Identifiers: ClinVar variation 3508981 (VCV003508981.1).

ClinVar aggregate classification (germline): Uncertain significance (1 of 4 stars; one submission).

Conditions:
Inborn genetic diseases. Identifiers: MedGen C0950123, MeSH D030342.

Submission:

Ambry Genetics
Classification: Uncertain significance for Inborn genetic diseases. Last evaluated: 2024-09-08. Review status: criteria provided, single submitter. Criteria: Ambry Variant Classification Scheme 2023. Collection method: clinical testing. Allele origin: germline.
Comment: The p.P397S variant (also known as c.1189C>T), located in coding exon 9 of the EPAS1 gene, results from a C to T substitution at nucleotide position 1189. The proline at codon 397 is replaced by serine, an amino acid with similar properties. This amino acid position is conserved. In addition, the in silico prediction for this alteration is inconclusive. Based on the available evidence, the clinical significance of this variant remains unclear.